The following is an entry in ClinVar:

NM_006231.4(POLE):c.5230C>T (p.His1744Tyr)

Gene: POLE (DNA polymerase epsilon, catalytic subunit; minus strand). Cytogenetic location: 12q24.33.
Variant type: single nucleotide variant.
Coding change: c.5230C>T on transcript NM_006231.4 (MANE Select); coding-DNA position 5230, C replaced by T.
Protein change: p.His1744Tyr; replaces histidine 1744 with tyrosine.
Molecular consequence: missense variant.
Genome position (GRCh38, 1-based): chr12:132,641,795, G>A on the plus strand (C>T on the coding strand, the complement: POLE is on the minus strand). VCF-style: chr12-132641795-G-A. GRCh37 (hg19) VCF-style: chr12-133218381-G-A.
Other names: short protein forms H1744Y.
Identifiers: ClinVar variation 1913822 (VCV001913822.5), dbSNP rs2541881432, ClinGen allele CA387376385.

ClinVar aggregate classification (germline): Uncertain significance (1 of 4 stars; one submission).

Submission:

Labcorp Genetics (formerly Invitae), Labcorp
Classification: Uncertain significance. Last evaluated: 2022-09-19. Review status: criteria provided, single submitter. Criteria: Invitae Variant Classification Sherloc (09022015). Collection method: clinical testing. Allele origin: germline.
Comment: This sequence change replaces histidine, which is basic and polar, with tyrosine, which is neutral and polar, at codon 1744 of the POLE protein (p.His1744Tyr). In summary, the available evidence is currently insufficient to determine the role of this variant in disease. Therefore, it has been classified as a Variant of Uncertain Significance. Advanced modeling of protein sequence and biophysical properties (such as structural, functional, and spatial information, amino acid conservation, physicochemical variation, residue mobility, and thermodynamic stability) performed at Invitae indicates that this missense variant is not expected to disrupt POLE protein function. This variant has not been reported in the literature in individuals affected with POLE-related conditions. This variant is not present in population databases (gnomAD no frequency).